The following is an entry in ClinVar:

ClinVar aggregate classification (germline): Conflicting classifications of pathogenicity. Review status: criteria provided, conflicting classifications (1 of 4 stars). 2 submissions from 2 submitters: Uncertain significance (1); Likely benign (1). Last evaluated 2023-06-22.

Allele frequency attached by ClinVar (database versions not stated): gnomAD exomes below 0.00001.
gnomAD v4.1: 4 of 1,612,946 alleles (0.00025%); highest among the groups gnomAD compares: Admixed American, 0.0017%; no homozygotes.

Submissions (2):

Ambry Genetics
Classification: Likely benign. Last evaluated: 2023-06-22. Review status: criteria provided, single submitter. Criteria: Ambry Variant Classification Scheme 2023. Collection method: clinical testing. Allele origin: germline.

Labcorp Genetics (formerly Invitae), Labcorp
Classification: Uncertain significance. Last evaluated: 2020-06-18. Review status: criteria provided, single submitter. Criteria: Invitae Variant Classification Sherloc (09022015). Collection method: clinical testing. Allele origin: germline.
Comment: This sequence change affects codon 159 of the ABRAXAS1 mRNA. It is a 'silent' change, meaning that it does not change the encoded amino acid sequence of the ABRAXAS1 protein. This variant is not present in population databases (ExAC no frequency). This variant has not been reported in the literature in individuals with ABRAXAS1-related conditions. Algorithms developed to predict the effect of sequence changes on RNA splicing suggest that this variant is not likely to affect RNA splicing, but this prediction has not been confirmed by published transcriptional studies. In summary, the available evidence is currently insufficient to determine the role of this variant in disease. Therefore, it has been classified as a Variant of Uncertain Significance.

NM_139076.3(ABRAXAS1):c.477A>G (p.Gly159=)

Gene: ABRAXAS1 (abraxas 1, BRCA1 A complex subunit; minus strand). Cytogenetic location: 4q21.23.
Variant type: single nucleotide variant.
Coding change: c.477A>G on transcript NM_139076.3 (MANE Select); coding-DNA position 477, A replaced by G.
Protein change: p.Gly159=; no amino-acid change (glycine 159 retained).
Molecular consequence: synonymous variant.
Genome position (GRCh38, 1-based): chr4:83,469,151, T>C on the plus strand (A>G on the coding strand, the complement: ABRAXAS1 is on the minus strand). VCF-style: chr4-83469151-T-C. GRCh37 (hg19) VCF-style: chr4-84390304-T-C.
Other names: c.150A>G, p.Gly50= (NM_001345962.2); c.477A>G (NM_139076.2).
Identifiers: ClinVar variation 1015551 (VCV001015551.10), dbSNP rs1722491084, ClinGen allele CA440115378.